The following is an entry in ClinVar:

NM_001374736.1(DST):c.4918G>A (p.Glu1640Lys)

Gene: DST (dystonin; minus strand). Cytogenetic location: 6p12.1.
Variant type: single nucleotide variant.
Coding change: c.4918G>A on transcript NM_001374736.1 (MANE Select); coding-DNA position 4918, G replaced by A.
Protein change: p.Glu1640Lys; replaces glutamic acid 1640 with lysine.
Molecular consequence: missense variant.
Genome position (GRCh38, 1-based): chr6:56,624,541, C>T on the plus strand (G>A on the coding strand, the complement: DST is on the minus strand). VCF-style: chr6-56624541-C-T. GRCh37 (hg19) VCF-style: chr6-56489339-C-T.
Other names: c.4819G>A, p.Glu1607Lys (NM_001144769.5); c.4405G>A, p.Glu1469Lys (NM_001144770.2); c.4918G>A, p.Glu1640Lys (NM_001374722.1); c.4285G>A, p.Glu1429Lys (NM_001374729.1, NM_001374730.1, NM_001386100.1 and 1 more transcripts); c.4945G>A, p.Glu1649Lys (NM_001374734.1); c.3307G>A, p.Glu1103Lys (NM_001723.7, NM_015548.5); short protein forms E1649K, E1429K, E1469K, E1607K, E1103K, E1640K.
Identifiers: ClinVar variation 2077272 (VCV002077272.4), dbSNP rs778486077, ClinGen allele CA3870768.

ClinVar aggregate classification (germline): Uncertain significance (1 of 4 stars; one submission).

Conditions:
Hereditary sensory and autonomic neuropathy type 6. Also called: Neuropathy, hereditary sensory and autonomic, type VI; HSAN VI. Identifiers: Orphanet 314381, MedGen C3539003, MONDO:0013839, OMIM 614653.
Epidermolysis bullosa simplex 3, localized or generalized intermediate, with BP230 deficiency (EBS3). Also called: Epidermolysis bullosa simplex due to BP230 deficiency; Epidermolysis bullosa simplex, autosomal recessive 2. Identifiers: Orphanet 412181, MedGen C3809470, MONDO:0014180, OMIM 615425.

Allele frequency attached by ClinVar (database versions not stated): ExAC 0.00001.

Submission:

Labcorp Genetics (formerly Invitae), Labcorp
Classification: Uncertain significance for Epidermolysis bullosa simplex 3, localized or generalized intermediate, with BP230 deficiency; Hereditary sensory and autonomic neuropathy type 6. Last evaluated: 2022-08-13. Review status: criteria provided, single submitter. Criteria: Invitae Variant Classification Sherloc (09022015). Collection method: clinical testing. Allele origin: germline.
Comment: This variant has not been reported in the literature in individuals affected with DST-related conditions. This variant is present in population databases (rs778486077, gnomAD 0.0009%). This sequence change replaces glutamic acid, which is acidic and polar, with lysine, which is basic and polar, at codon 1103 of the DST protein (p.Glu1103Lys). Algorithms developed to predict the effect of missense changes on protein structure and function are either unavailable or do not agree on the potential impact of this missense change (SIFT: "Tolerated"; PolyPhen-2: "Probably Damaging"; Align-GVGD: "Class C0"). In summary, the available evidence is currently insufficient to determine the role of this variant in disease. Therefore, it has been classified as a Variant of Uncertain Significance.